The following is an entry in ClinVar:

ClinVar aggregate classification (germline): Uncertain significance (1 of 4 stars; one submission).

Allele frequency attached by ClinVar (database versions not stated): ExAC 0.00001.

Submission:

Labcorp Genetics (formerly Invitae), Labcorp
Classification: Uncertain significance. Last evaluated: 2022-04-17. Review status: criteria provided, single submitter. Criteria: Invitae Variant Classification Sherloc (09022015). Collection method: clinical testing. Allele origin: germline.
Comment: This sequence change replaces serine, which is neutral and polar, with phenylalanine, which is neutral and non-polar, at codon 287 of the THBD protein (p.Ser287Phe). This variant is present in population databases (rs769441175, gnomAD 0.006%). This variant has not been reported in the literature in individuals affected with THBD-related conditions. Algorithms developed to predict the effect of missense changes on protein structure and function (SIFT, PolyPhen-2, Align-GVGD) all suggest that this variant is likely to be tolerated. In summary, the available evidence is currently insufficient to determine the role of this variant in disease. Therefore, it has been classified as a Variant of Uncertain Significance.

NM_000361.3(THBD):c.860C>T (p.Ser287Phe)

Gene: THBD (thrombomodulin; minus strand). Cytogenetic location: 20p11.21.
Variant type: single nucleotide variant.
Coding change: c.860C>T on transcript NM_000361.3 (MANE Select); coding-DNA position 860, C replaced by T.
Protein change: p.Ser287Phe; replaces serine 287 with phenylalanine.
Molecular consequence: missense variant.
Genome position (GRCh38, 1-based): chr20:23,048,645, G>A on the plus strand (C>T on the coding strand, the complement: THBD is on the minus strand). VCF-style: chr20-23048645-G-A. GRCh37 (hg19) VCF-style: chr20-23029282-G-A.
Other names: short protein forms S287F.
Identifiers: ClinVar variation 2127323 (VCV002127323.4), dbSNP rs769441175, ClinGen allele CA9787680.